The following is an entry in ClinVar:

ClinVar aggregate classification (germline): Pathogenic. Review status: criteria provided, multiple submitters, no conflicts (2 of 4 stars). 8 submissions from 8 submitters: Pathogenic (6). 2 of the submissions do not count toward it. Last evaluated 2026-01-17.

Conditions:
COL27A1-related disorder. Also called: COL27A1-related condition.
Steel syndrome (STLS). Identifiers: Orphanet 438117, MedGen C3554594, MONDO:0014061, OMIM 615155.

Allele frequency attached by ClinVar (database versions not stated): ExAC 0.00003; gnomAD exomes 0.00003 and 0.00005; ESP Exome Variant Server 0.00008; gnomAD 0.00030 and 0.00033; 1000 Genomes Project 30x 0.00031; 1000 Genomes Project 0.00040; TOPMed 0.00076.

Submissions (8):

Labcorp Genetics (formerly Invitae), Labcorp
Classification: Pathogenic. Last evaluated: 2026-01-17. Review status: criteria provided, single submitter. Criteria: Invitae Variant Classification Sherloc (09022015). Collection method: clinical testing. Allele origin: germline.
Comment: This sequence change replaces glycine, which is neutral and non-polar, with arginine, which is basic and polar, at codon 697 of the COL27A1 protein (p.Gly697Arg). This variant is present in population databases (rs140950220, gnomAD 0.01%). This missense change has been observed in individuals with Steel syndrome (PMID: 24986830, 31903681). It has also been observed to segregate with disease in related individuals. ClinVar contains an entry for this variant (Variation ID: 143245). Invitae Evidence Modeling of protein sequence and biophysical properties (such as structural, functional, and spatial information, amino acid conservation, physicochemical variation, residue mobility, and thermodynamic stability) indicates that this missense variant is expected to disrupt COL27A1 protein function with a positive predictive value of 80%. For these reasons, this variant has been classified as Pathogenic.

Women's Health and Genetics/Laboratory Corporation of America, LabCorp
Classification: Pathogenic for Steel syndrome. Last evaluated: 2023-09-29. Review status: criteria provided, single submitter. Criteria: LabCorp Variant Classification Summary - May 2015. Collection method: clinical testing. Allele origin: germline.
Comment: Variant summary: COL27A1 c.2089G>C (p.Gly697Arg) results in a non-conservative amino acid change located in the Collagen triple helix repeat (IPR008160) of the encoded protein sequence and disrupts a Gly residue at position 1 of a Gly-X-Y motif. Five of five in-silico tools predict a damaging effect of the variant on protein function. The variant allele was found at a frequency of 0.00013 in 396206 control chromosomes, predominantly at a frequency of 0.00096 within the Latino subpopulation in the gnomAD database, including 1 homozygote (gnomAD). The available data on variant occurrences in the general population are insufficient to allow any conclusion about variant significance, although studies have demonstrated that the variant of interest likely represents a founder mutation in individuals of Puerto Rican descent and that Steel syndrome can go undiagnosed (e.g., Belbin_2017). c.2089G>C has been reported in the literature in multiple homozygous individuals affected with Steel syndrome, primarily those of Puerto Rican or Hispanic/Latino descent (e.g., Gonzaga_Jauregui_2015, Belbin_2017). Additionally, individuals harboring the variant in the heterozygous state were reported to display an increased incidence of milder forms of musculoskeletal disease, including joint and spine degeneration, than non-carriers (e.g., Belbin_2017). These data indicate that the variant is very likely to be associated with autosomal recessive disease, but could lead to mild symptoms in heterozygous individuals as well. At least one publication reports experimental evidence evaluating an impact on protein function, finding that a murine model of the variant recapitulates many Steel-syndrome associated features (e.g., Gonzaga-Jauregui_2020). The following publications have been ascertained in the context of this evaluation (PMID: 28895531, 24986830, 32376988). Four submitters have reported clinical-significance assessments for this variant to ClinVar after 2014. All submitters classified the variant as pathogenic. Based on the evidence outlined above, the variant was classified as pathogenic.

GeneDx
Classification: Pathogenic. Last evaluated: 2022-03-16. Review status: criteria provided, single submitter. Criteria: GeneDx Variant Classification Process June 2021. Collection method: clinical testing. Allele origin: germline. Affected: yes.
Comment: In silico analysis supports that this missense variant has a deleterious effect on protein structure/function; Published functional studies demonstrate the variant causes abnormal collagen deposition in the extracellular matrix (Gonzaga-Jauregui et el., 2020); This variant is associated with the following publications: (PMID: 24986830, 31903681, 32376988, 28895531)

Revvity Omics, Revvity
Classification: Pathogenic for Steel syndrome. Last evaluated: 2022-02-01. Review status: criteria provided, single submitter. Criteria: ACMG Guidelines, 2015. Collection method: clinical testing. Allele origin: germline.

Fulgent Genetics
Classification: Pathogenic for Steel syndrome. Last evaluated: 2018-10-31. Review status: criteria provided, single submitter. Criteria: ACMG Guidelines, 2015. Collection method: clinical testing. Allele origin: unknown.

Lupski Lab, Baylor-Hopkins CMG, Baylor College of Medicine
Classification: Pathogenic for Steel syndrome. Last evaluated: 2014-07-02. Review status: criteria provided, single submitter. Criteria: Gonzaga et al. (EJHG 2014). Collection method: research. Allele origin: inherited. Inheritance: Autosomal recessive inheritance. Affected: yes and no. Observed: 7 variant alleles, 4 heterozygotes, 3 homozygotes.
Comment: Segregates with the phenotype in an affected family

PreventionGenetics, part of Exact Sciences
Classification: Pathogenic for COL27A1-related condition. Last evaluated: 2024-07-08. Review status: no assertion criteria provided. Collection method: clinical testing. Allele origin: germline. Not counted in ClinVar's aggregate classification.
Comment: The COL27A1 c.2089G>C variant is predicted to result in the amino acid substitution p.Gly697Arg. This variant has been reported in the homozygous state in several individuals with Steel syndrome and is a well-documented as a founder variant in individuals of Puerto Rican ancestry (see for example, Gonzaga-Jauregui et al 2015. PubMed ID: 24986830; Belbin et al 2017. PubMed ID: 28895531; Amlie-Wolf et al 2020. PubMed ID: 31903681; Gonzaga-Jauregui et al 2020. PubMed ID: 32376988). This variant is reported in 0.017% of alleles in individuals of Latino descent in gnomAD. This variant is interpreted as pathogenic.

OMIM
Classification: Pathogenic for STEEL SYNDROME. Last evaluated: 2014-07-02. Review status: no assertion criteria provided. Collection method: literature only. Allele origin: germline. Not counted in ClinVar's aggregate classification.

Literature cited by the submitters: PubMed 24986830 (cited by 3 submitters); PubMed 31903681 (cited by Labcorp Genetics (formerly Invitae), Labcorp); PubMed 28895531 (cited by Women's Health and Genetics/Laboratory Corporation of America, LabCorp and OMIM); PubMed 32376988 (cited by Women's Health and Genetics/Laboratory Corporation of America, LabCorp).

NM_032888.4(COL27A1):c.2089G>C (p.Gly697Arg)

Gene: COL27A1 (collagen type XXVII alpha 1 chain; plus strand). Cytogenetic location: 9q32.
Variant type: single nucleotide variant.
Coding change: c.2089G>C on transcript NM_032888.4 (MANE Select); coding-DNA position 2089, G replaced by C.
Protein change: p.Gly697Arg; replaces glycine 697 with arginine.
Molecular consequence: missense variant.
Genome position (GRCh38, 1-based): chr9:114,195,977, G>C. VCF-style: chr9-114195977-G-C. GRCh37 (hg19) VCF-style: chr9-116958257-G-C.
Other names: COL27A1, GLY697ARG (rs140950220); short protein forms G697R.
Identifiers: ClinVar variation 143245 (VCV000143245.16), dbSNP rs140950220, ClinGen allele CA333291.
Genomic context (GRCh38, chr9:114,195,977, plus strand): 5'-CTCCCGTTTTCCTGCCTCACCCACCTTGTCTGTGTCTTCCAGGGTGACATGGGCTTGCCT[G>C]GGCTCTCCGGGAATCCAGGACCTCCGGGACGAAAGGTACTGTTTGGTTTTGATGCTTTGC-3'
Protein context (NP_116277.2, residues 687-707): DGAKGDMGLP[Gly697Arg]LSGNPGPPGR